The following is an entry in ClinVar:

ClinVar aggregate classification (germline): Likely pathogenic (1 of 4 stars; one submission).

Conditions:
Anemia, nonspherocytic hemolytic, due to G6PD deficiency (CNSHA1). Also called: Hemolytic anemia due to G6PD deficiency; Class I glucose-6-phosphate dehydrogenase deficiency; Favism, susceptibility to; ANEMIA, CONGENITAL, NONSPHEROCYTIC HEMOLYTIC, 1. Identifiers: Orphanet 466026, MedGen C2720289, MONDO:0010480, OMIM 300908.

Submission:

Dunham Lab, University of Washington
Classification: Likely pathogenic for Anemia, nonspherocytic hemolytic, due to G6PD deficiency. Last evaluated: 2022-08-12. Review status: criteria provided, single submitter. Criteria: Bayesian ACMG Guidelines, 2018. Collection method: curation. Allele origin: unknown. Affected: yes.
Comment: Decreased activity in red blood cells (PS3). Not found in gnomAD (PM2). Post_P 0.949 (odds of pathogenicity 168.4, Prior_P 0.1).

Literature cited by the submitters: PubMed 9410474.

NM_001360016.2(G6PD):c.921G>C (p.Gln307His)

Gene: G6PD (glucose-6-phosphate dehydrogenase; minus strand). Cytogenetic location: Xq28.
Variant type: single nucleotide variant.
Coding change: c.921G>C on transcript NM_001360016.2 (MANE Select); coding-DNA position 921, G replaced by C.
Protein change: p.Gln307His; replaces glutamine 307 with histidine.
Molecular consequence: missense variant.
Genome position (GRCh38, 1-based): chrX:154,533,072, C>G on the plus strand (G>C on the coding strand, the complement: G6PD is on the minus strand). VCF-style: chrX-154533072-C-G. GRCh37 (hg19) VCF-style: chrX-153761287-C-G.
Other names: G6PD Omiya; c.1011G>C, p.Gln337His (NM_000402.4); c.921G>C, p.Gln307His (NM_001042351.3); short protein forms Q307H, Q337H.
Identifiers: ClinVar variation 1722600 (VCV001722600.2), dbSNP rs2523264021, ClinGen allele CA415234747.
Genomic context (GRCh38, chrX:154,533,072, plus strand): 5'-CGTGGGGTCGTCCAGGTACCCTTTGGTGGCCTCGCCCTCTCCATCGGGGTTCCCCACGTA[C>G]TGGCCCAGGACCACATTGTTGGCCTGCACCTCTGAGATGCATTTCAACACCTTGACCTGA-3'
Protein context (NP_001346945.1, residues 297-317): EVQANNVVLG[Gln307His]YVGNPDGEGE